The following is an entry in ClinVar:

NM_001128840.3(CACNA1D):c.3208C>G (p.Pro1070Ala)

Gene: CACNA1D (calcium voltage-gated channel subunit alpha1 D; plus strand). Cytogenetic location: 3p21.1.
Variant type: single nucleotide variant.
Coding change: c.3208C>G on transcript NM_001128840.3 (MANE Select); coding-DNA position 3208, C replaced by G.
Protein change: p.Pro1070Ala; replaces proline 1070 with alanine.
Molecular consequence: missense variant.
Genome position (GRCh38, 1-based): chr3:53,747,342, C>G. VCF-style: chr3-53747342-C-G. GRCh37 (hg19) VCF-style: chr3-53781369-C-G.
Other names: p.Pro1090Ala; c.3268C>G, p.Pro1090Ala (NM_000720.4); c.3208C>G, p.Pro1070Ala (NM_001128839.3); short protein forms P1090A, P1070A.
Identifiers: ClinVar variation 3994424 (VCV003994424.2).

ClinVar aggregate classification (germline): Uncertain significance. Review status: criteria provided, multiple submitters, no conflicts (2 of 4 stars). 2 submissions from 2 submitters: Uncertain significance (2). Last evaluated 2025-06-05.

Conditions:
Inborn genetic diseases. Identifiers: MedGen C0950123, MeSH D030342.

gnomAD v4.1: 3 of 1,613,910 alleles (0.00019%); highest among the groups gnomAD compares: Non-Finnish European, 0.000085%; no homozygotes.

Submissions (2):

Mayo Clinic Laboratories, Mayo Clinic
Classification: Uncertain significance. Last evaluated: 2025-06-05. Review status: criteria provided, single submitter. Criteria: ACMG Guidelines, 2015. Collection method: clinical testing. Allele origin: germline. Observed: 1 variant allele.
Comment: PP3_moderate, PM2_supporting

Ambry Genetics
Classification: Uncertain significance for Inborn genetic diseases. Last evaluated: 2025-04-20. Review status: criteria provided, single submitter. Criteria: Ambry Variant Classification Scheme 2023. Collection method: clinical testing. Allele origin: germline.